The following is an entry in ClinVar:

NM_001171.6(ABCC6):c.1460G>A (p.Arg487Gln)

Gene: ABCC6 (ATP binding cassette subfamily C member 6; minus strand). Cytogenetic location: 16p13.11.
Variant type: single nucleotide variant.
Coding change: c.1460G>A on transcript NM_001171.6 (MANE Select); coding-DNA position 1460, G replaced by A.
Protein change: p.Arg487Gln; replaces arginine 487 with glutamine.
Molecular consequence: missense variant. On other transcripts: non-coding transcript variant (1).
Genome position (GRCh38, 1-based): chr16:16,190,339, C>T on the plus strand (G>A on the coding strand, the complement: ABCC6 is on the minus strand). VCF-style: chr16-16190339-C-T. GRCh37 (hg19) VCF-style: chr16-16284196-C-T.
Other names: c.1118G>A, p.Arg373Gln (NM_001351800.1); short protein forms R487Q, R373Q.
Identifiers: ClinVar variation 433232 (VCV000433232.9), dbSNP rs72653768, ClinGen allele CA7926292.
Genomic context (GRCh38, chr16:16,190,339, plus strand): 5'-TCCCAGCCATGGAACTTGATGGTCTTCGAGTTCCTGAGGATAGAGCTGGTGAGCCGTGCC[C>T]GTGAGTCCTTCTGCCTCATTTGCTCCTCCTGGGATCGGAGGGAAAAAGAGAGATGAAGAC-3'
Protein context (NP_001162.5, residues 477-497): QEEQMRQKDS[Arg487Gln]ARLTSSILRN

ClinVar aggregate classification (germline): Conflicting classifications of pathogenicity. Review status: criteria provided, conflicting classifications (1 of 4 stars). 5 submissions from 5 submitters: Pathogenic (1); Likely pathogenic (2); Uncertain significance (1). 1 of the submissions does not count toward it. Last evaluated 2025-09-10.

Conditions:
ABCC6-related disorder. Also called: ABCC6-related condition.
Arterial calcification, generalized, of infancy, 2. Identifiers: Orphanet 51608, MedGen C3276161, MONDO:0013768, OMIM 614473.
Autosomal recessive inherited pseudoxanthoma elasticum (PXE). Identifiers: Orphanet 758, MedGen CN032334, MONDO:0009925, OMIM 264800.
Pseudoxanthoma elasticum, forme fruste. Also called: Pseudoxanthoma Elasticum, Incomplete; PSEUDOXANTHOMA ELASTICUM, HETEROZYGOUS. Identifiers: Orphanet 758, MedGen C1867450, MONDO:0008333, OMIM 177850.

Allele frequency attached by ClinVar (database versions not stated): gnomAD 0.00001; ExAC 0.00002; gnomAD exomes 0.00002; TOPMed 0.00003; 1000 Genomes Project 30x 0.00016; 1000 Genomes Project 0.00020.
gnomAD v4.1: 14 of 1,614,136 alleles (0.00087%); highest among the groups gnomAD compares: Admixed American, 0.0083%; no homozygotes.

Submissions (5):

Labcorp Genetics (formerly Invitae), Labcorp
Classification: Pathogenic. Last evaluated: 2025-09-10. Review status: criteria provided, single submitter. Criteria: Invitae Variant Classification Sherloc (09022015). Collection method: clinical testing. Allele origin: germline.
Comment: This sequence change replaces arginine, which is basic and polar, with glutamine, which is neutral and polar, at codon 487 of the ABCC6 protein (p.Arg487Gln). This variant is present in population databases (rs72653768, gnomAD 0.009%). This missense change has been observed in individual(s) with pseudoxanthoma elasticum (PMID: 16835894, 32873932). In at least one individual the data is consistent with being in trans (on the opposite chromosome) from a pathogenic variant. ClinVar contains an entry for this variant (Variation ID: 433232). Invitae Evidence Modeling of protein sequence and biophysical properties (such as structural, functional, and spatial information, amino acid conservation, physicochemical variation, residue mobility, and thermodynamic stability) indicates that this missense variant is expected to disrupt ABCC6 protein function with a positive predictive value of 95%. For these reasons, this variant has been classified as Pathogenic.

PreventionGenetics, part of Exact Sciences
Classification: Uncertain significance for ABCC6-related condition. Last evaluated: 2025-05-06. Review status: criteria provided, single submitter. Criteria: ACMG Guidelines, 2015. Collection method: clinical testing. Allele origin: germline.
Comment: The ABCC6 c.1460G>A variant is predicted to result in the amino acid substitution p.Arg487Gln. This variant has been reported along with a second ABCC6 variant in an individual with pseudoxanthoma elasticum (Schulz et al. 2006. PubMed ID: 16835894). This variant has also been reported without patient specific phasing information in individuals with pseudoxanthoma elasticum (Table S2, Legrand et al. 2017. PubMed ID: 28102862; Table S1, Verschuere et al. 2020. PubMed ID: 32873932). This variant is present in 0.014% of alleles in individuals of Latino descent in gnomAD. Although we suspect that this variant may be pathogenic, at this time, the clinical significance of this variant is uncertain due to the absence of conclusive functional and genetic evidence.

Fulgent Genetics
Classification: Likely pathogenic for Pseudoxanthoma elasticum, forme fruste; Autosomal recessive inherited pseudoxanthoma elasticum; Arterial calcification, generalized, of infancy, 2. Last evaluated: 2024-06-03. Review status: criteria provided, single submitter. Criteria: ACMG Guidelines, 2015. Collection method: clinical testing. Allele origin: germline.

Blueprint Genetics
Classification: Likely pathogenic for ABCC6-related disorders. Last evaluated: 2023-02-09. Review status: criteria provided, single submitter. Criteria: ACMG Guidelines, 2015. Collection method: clinical testing. Allele origin: germline. Affected: yes. Observed: 5 variant alleles.

PXE International
Classification: Likely pathogenic for Autosomal recessive inherited pseudoxanthoma elasticum. Last evaluated: 2021-03-01. Review status: no assertion criteria provided. Collection method: research. Allele origin: germline. Inheritance: Autosomal recessive inheritance. Affected: yes. Observed: 1 variant allele. Not counted in ClinVar's aggregate classification.

Literature cited by the submitters: PubMed 16835894 (cited by Labcorp Genetics (formerly Invitae), Labcorp); PubMed 32873932 (cited by Labcorp Genetics (formerly Invitae), Labcorp and PXE International).